The following is an entry in ClinVar:

ClinVar aggregate classification (germline): Conflicting classifications of pathogenicity. Review status: criteria provided, conflicting classifications (1 of 4 stars). 4 submissions from 3 submitters: Uncertain significance (2); Likely benign (1). 1 of the submissions does not count toward it. Last evaluated 2024-08-31.

Conditions:
CDH23-related disorder. Also called: CDH23-related disorders; CDH23-related condition.
Usher syndrome type 1D (USH1D). Also called: USHER SYNDROME, TYPE ID. Identifiers: Orphanet 231169, Orphanet 886, MedGen C1832845, MONDO:0010984, OMIM 601067.
Autosomal recessive nonsyndromic hearing loss 12. Also called: DEAFNESS, AUTOSOMAL RECESSIVE 12. Identifiers: Orphanet 90636, MedGen C1832394, MONDO:0011067, OMIM 601386.

Allele frequency attached by ClinVar (database versions not stated): ExAC 0.00001; gnomAD 0.00001; gnomAD exomes 0.00001; TOPMed 0.00001.
gnomAD v4.1: 6 of 1,613,800 alleles (0.00037%); highest among the groups gnomAD compares: African/African-American, 0.0027%; no homozygotes.

Submissions (4):

Labcorp Genetics (formerly Invitae), Labcorp
Classification: Likely benign. Last evaluated: 2024-08-31. Review status: criteria provided, single submitter. Criteria: Invitae Variant Classification Sherloc (09022015). Collection method: clinical testing. Allele origin: germline.

Illumina Laboratory Services, Illumina
Classification: Uncertain significance for Autosomal recessive nonsyndromic hearing loss 12. Last evaluated: 2018-01-13. Review status: criteria provided, single submitter. Criteria: ICSL Variant Classification Criteria 13 December 2019. Collection method: clinical testing. Allele origin: germline.

Illumina Laboratory Services, Illumina
Classification: Uncertain significance for Usher syndrome type 1D. Last evaluated: 2018-01-13. Review status: criteria provided, single submitter. Criteria: ICSL Variant Classification Criteria 13 December 2019. Collection method: clinical testing. Allele origin: germline.

PreventionGenetics, part of Exact Sciences
Classification: Likely benign for CDH23-related condition. Last evaluated: 2019-09-05. Review status: no assertion criteria provided. Collection method: clinical testing. Allele origin: germline. Not counted in ClinVar's aggregate classification.
Comment: This variant is classified as likely benign based on ACMG/AMP sequence variant interpretation guidelines (Richards et al. 2015 PMID: 25741868, with internal and published modifications).

NM_022124.6(CDH23):c.9108G>A (p.Glu3036=)

Gene: CDH23 (cadherin related 23; plus strand). Cytogenetic location: 10q22.1.
Variant type: single nucleotide variant.
Coding change: c.9108G>A on transcript NM_022124.6 (MANE Select); coding-DNA position 9108, G replaced by A.
Protein change: p.Glu3036=; no amino-acid change (glutamic acid 3036 retained).
Molecular consequence: synonymous variant.
Genome position (GRCh38, 1-based): chr10:71,811,345, G>A. VCF-style: chr10-71811345-G-A. GRCh37 (hg19) VCF-style: chr10-73571102-G-A.
Other names: c.2388G>A, p.Glu796= (NM_001171933.1, NM_001171934.1).
Identifiers: ClinVar variation 300471 (VCV000300471.18), dbSNP rs768198017, ClinGen allele CA5546883.